The following is an entry in ClinVar:

ClinVar aggregate classification (germline): Uncertain significance (1 of 4 stars; one submission).

Allele frequency attached by ClinVar (database versions not stated): gnomAD exomes 0.00001; ExAC 0.00002.
gnomAD v4.1: 8 of 1,614,032 alleles (0.0005%); highest among the groups gnomAD compares: East Asian, 0.0067%; no homozygotes.

Submission:

Labcorp Genetics (formerly Invitae), Labcorp
Classification: Uncertain significance. Last evaluated: 2022-07-25. Review status: criteria provided, single submitter. Criteria: Invitae Variant Classification Sherloc (09022015). Collection method: clinical testing. Allele origin: germline.
Comment: In summary, the available evidence is currently insufficient to determine the role of this variant in disease. Therefore, it has been classified as a Variant of Uncertain Significance. Algorithms developed to predict the effect of missense changes on protein structure and function output the following: SIFT: "Deleterious"; PolyPhen-2: "Benign"; Align-GVGD: "Class C0". The arginine amino acid residue is found in multiple mammalian species, which suggests that this missense change does not adversely affect protein function. This variant has not been reported in the literature in individuals affected with FAT1-related conditions. This variant is present in population databases (rs754713122, gnomAD 0.04%). This sequence change replaces lysine, which is basic and polar, with arginine, which is basic and polar, at codon 2600 of the FAT1 protein (p.Lys2600Arg).

NM_005245.4(FAT1):c.7799A>G (p.Lys2600Arg)

Gene: FAT1 (FAT atypical cadherin 1; minus strand). Cytogenetic location: 4q35.2.
Variant type: single nucleotide variant.
Coding change: c.7799A>G on transcript NM_005245.4 (MANE Select); coding-DNA position 7799, A replaced by G.
Protein change: p.Lys2600Arg; replaces lysine 2600 with arginine.
Molecular consequence: missense variant.
Genome position (GRCh38, 1-based): chr4:186,618,787, T>C on the plus strand (A>G on the coding strand, the complement: FAT1 is on the minus strand). VCF-style: chr4-186618787-T-C. GRCh37 (hg19) VCF-style: chr4-187539941-T-C.
Other names: short protein forms K2600R.
Identifiers: ClinVar variation 1926567 (VCV001926567.4), dbSNP rs754713122, ClinGen allele CA3165998.
Genomic context (GRCh38, chr4:186,618,787, plus strand): 5'-GCAAGAACTTTAACGACTGAAGTCCCTTTAGCAGCACTGGACCCGATATTCACTTCGTAT[T>C]TGGTTGCTCGAAATTGTGGTGCATTGTCATTGTCATCTGTAAGGATGACATTCACGGTGC-3'
Protein context (NP_005236.2, residues 2590-2610): NDNAPQFRAT[Lys2600Arg]YEVNIGSSAA